The following is an entry in ClinVar:

NM_000059.4(BRCA2):c.3443A>T (p.Gln1148Leu)

Gene: BRCA2 (BRCA2 DNA repair associated; plus strand). Cytogenetic location: 13q13.1.
Variant type: single nucleotide variant.
Coding change: c.3443A>T on transcript NM_000059.4 (MANE Select); coding-DNA position 3443, A replaced by T.
Protein change: p.Gln1148Leu; replaces glutamine 1148 with leucine.
Molecular consequence: missense variant.
Genome position (GRCh38, 1-based): chr13:32,337,798, A>T. VCF-style: chr13-32337798-A-T. GRCh37 (hg19) VCF-style: chr13-32911935-A-T.
Other names: short protein forms Q1148L.
Identifiers: ClinVar variation 581953 (VCV000581953.7), dbSNP rs200808363, ClinGen allele CA387776645.

ClinVar aggregate classification (germline): Conflicting classifications of pathogenicity. Review status: criteria provided, conflicting classifications (1 of 4 stars). 2 submissions from 2 submitters: Uncertain significance (1); Likely benign (1). Last evaluated 2023-03-23.

Conditions:
Hereditary cancer-predisposing syndrome. Also called: Neoplastic Syndromes, Hereditary; Hereditary Cancer Syndrome; Tumor predisposition; Hereditary neoplastic syndrome. Identifiers: Orphanet 140162, MedGen C0027672, MeSH D009386, MONDO:0015356.
Hereditary breast ovarian cancer syndrome. Also called: Hereditary breast and ovarian cancer syndrome; Hereditary breast and/or ovarian cancer syndrome; Hereditary breast and ovarian cancer syndrome (HBOC); Breast and ovarian cancer; BRCA1- and BRCA2-Associated Hereditary Breast and Ovarian Cancer; Hereditary breast and ovarian cancer. Identifiers: Orphanet 145, MedGen C0677776, MeSH D061325, MONDO:0003582. Disease mechanism: loss of function.

Submissions (2):

University of Washington Department of Laboratory Medicine, University of Washington
Classification: Likely benign for Hereditary cancer-predisposing syndrome. Last evaluated: 2023-03-23. Review status: criteria provided, single submitter. Criteria: Dines et al. (Genet Med. 2020). Collection method: curation. Allele origin: germline.
Comment: Missense variant in a coldspot region where missense variants are very unlikely to be pathogenic (PMID:31911673).

BRCA2 exon 11 coldspot. Reclassification based on statistical prior probability.

Labcorp Genetics (formerly Invitae), Labcorp
Classification: Uncertain significance for Hereditary breast ovarian cancer syndrome. Last evaluated: 2021-09-01. Review status: criteria provided, single submitter. Criteria: Invitae Variant Classification Sherloc (09022015). Collection method: clinical testing. Allele origin: germline.
Comment: This sequence change replaces glutamine with leucine at codon 1148 of the BRCA2 protein (p.Gln1148Leu). The glutamine residue is weakly conserved and there is a moderate physicochemical difference between glutamine and leucine. This variant is not present in population databases (ExAC no frequency). This variant has not been reported in the literature in individuals affected with BRCA2-related conditions. Algorithms developed to predict the effect of missense changes on protein structure and function output the following: SIFT: "Tolerated"; PolyPhen-2: "Possibly Damaging"; Align-GVGD: "Class C15". The leucine amino acid residue is found in multiple mammalian species, which suggests that this missense change does not adversely affect protein function. In summary, the available evidence is currently insufficient to determine the role of this variant in disease. Therefore, it has been classified as a Variant of Uncertain Significance.